The following is an entry in ClinVar:

NM_001379270.1(CNGA1):c.288-1dup

Genes: CNGA1 (cyclic nucleotide gated channel subunit alpha 1; minus strand), LOC101927157 (uncharacterized LOC101927157; plus strand). Cytogenetic location: 4p12.
Variant type: Duplication.
Coding change: c.288-1dup on transcript NM_001379270.1 (MANE Select); the canonical splice acceptor site of the intron before coding-DNA position 288, one base duplicated (G; older notation c.288-1dupG).
Molecular consequence: splice acceptor variant.
Genome position (GRCh38, 1-based): chr4:47,943,411, C duplicated on the plus strand (G on the coding strand, the reverse complement: CNGA1 is on the minus strand); the first of 3 consecutive C bases (chr4:47,943,411-47,943,413); duplicating any one gives the same sequence. VCF-style (leftmost placement, unchanged base first): chr4-47943410-T-TC. GRCh37 (hg19) VCF-style: chr4-47945427-T-TC.
Other names: c.288-1dup (NM_000087.5, NM_001142564.2).
Identifiers: ClinVar variation 861606 (VCV000861606.7), dbSNP rs1739215940, ClinGen allele CA916082644.

ClinVar aggregate classification (germline): Pathogenic (1 of 4 stars; one submission).

Submission:

Labcorp Genetics (formerly Invitae), Labcorp
Classification: Pathogenic. Last evaluated: 2019-12-17. Review status: criteria provided, single submitter. Criteria: Invitae Variant Classification Sherloc (09022015). Collection method: clinical testing. Allele origin: germline.
Comment: For these reasons, this variant has been classified as Pathogenic. Loss-of-function variants in CNGA1 are known to be pathogenic (PMID: 7479749, 25268133). This variant has not been reported in the literature in individuals with CNGA1-related conditions. This variant is not present in population databases (ExAC no frequency). This sequence change creates a premature translational stop signal (p.Glu101Glyfs*18) in the CNGA1 gene. It is expected to result in an absent or disrupted protein product.

Literature cited by the submitters: PubMed 7479749; PubMed 25268133.